The following is an entry in ClinVar:

NC_000005.10:g.112707405G>A

Gene: APC (APC regulator of Wnt signaling pathway; plus strand). Cytogenetic location: 5q22.2.
Variant type: single nucleotide variant.
Genome position: GRCh38 VCF-style: chr5-112707405-G-A. GRCh37 (hg19) VCF-style: chr5-112043102-G-A.
Identifiers: ClinVar variation 1015767 (VCV001015767.8), dbSNP rs1580995493, ClinGen allele CA1080214559.

ClinVar aggregate classification (germline): Uncertain significance (1 of 4 stars; one submission).

Conditions:
Familial adenomatous polyposis 1 (FAP1). Also called: FAMILIAL ADENOMATOUS POLYPOSIS 1, ATTENUATED; POLYPOSIS, ADENOMATOUS INTESTINAL. Identifiers: MedGen C2713442, MONDO:0021056, OMIM 175100. Disease mechanism: loss of function.

Allele frequency attached by ClinVar (database versions not stated): gnomAD below 0.00001 and 0.00001; TOPMed 0.00001; gnomAD exomes 0.00003.

Submission:

Labcorp Genetics (formerly Invitae), Labcorp
Classification: Uncertain significance for Familial adenomatous polyposis 1. Last evaluated: 2026-01-04. Review status: criteria provided, single submitter. Criteria: Invitae Variant Classification Sherloc (09022015). Collection method: clinical testing. Allele origin: germline.
Comment: This variant occurs in a non-coding region of the APC gene. It does not change the encoded amino acid sequence of the APC protein. This variant is not present in population databases (gnomAD no frequency). This variant has not been reported in the literature in individuals affected with APC-related conditions. Experimental studies and prediction algorithms are not available or were not evaluated, and the functional significance of this variant is currently unknown. In summary, the available evidence is currently insufficient to determine the role of this variant in disease. Therefore, it has been classified as a Variant of Uncertain Significance.